The following is an entry in ClinVar:

ClinVar aggregate classification (germline): Benign (1 of 4 stars; one submission).

Allele frequency attached by ClinVar (database versions not stated): 1000 Genomes Project 0.03874; TOPMed 0.06248.
gnomAD v4.1: 10,157 of 152,166 alleles (6.7%); highest among the groups gnomAD compares: Non-Finnish European, 9.9%; 454 homozygotes.

Submission:

GeneDx
Classification: Benign. Last evaluated: 2018-06-14. Review status: criteria provided, single submitter. Criteria: GeneDx Variant Classification (06012015). Collection method: clinical testing. Allele origin: germline. Affected: yes.
Comment: This variant is considered likely benign or benign based on one or more of the following criteria: it is a conservative change, it occurs at a poorly conserved position in the protein, it is predicted to be benign by multiple in silico algorithms, and/or has population frequency not consistent with disease.

NM_001080449.3(DNA2):c.3114+307C>T

Gene: DNA2 (DNA replication helicase/nuclease 2; minus strand). Cytogenetic location: 10q21.3.
Variant type: single nucleotide variant.
Coding change: c.3114+307C>T on transcript NM_001080449.3 (MANE Select); 307 bases into the intron after coding-DNA position 3114, C replaced by T.
Molecular consequence: intron variant.
Genome position (GRCh38, 1-based): chr10:68,416,402, G>A on the plus strand (C>T on the coding strand, the complement: DNA2 is on the minus strand). VCF-style: chr10-68416402-G-A. GRCh37 (hg19) VCF-style: chr10-70176159-G-A.
Identifiers: ClinVar variation 683745 (VCV000683745.1), dbSNP rs111333451, ClinGen allele CA15665857.
Genomic context (GRCh38, chr10:68,416,402, plus strand): 5'-TGTGGGCCCAGCTACTGGGGAGGCTGAGGTAGGAAGATCACTTTAGCCTGGGAGATTGAG[G>A]GTGCAGTGAGCTCTGATCATATCACTGCACTGCAGCCTGGGTGACAAAGCAAGGCCCTGT-3'